The following is an entry in ClinVar:

NM_014363.6(SACS):c.3730G>C (p.Asp1244His)

Gene: SACS (sacsin molecular chaperone; minus strand). Cytogenetic location: 13q12.12.
Variant type: single nucleotide variant.
Coding change: c.3730G>C on transcript NM_014363.6 (MANE Select); coding-DNA position 3730, G replaced by C.
Protein change: p.Asp1244His; replaces aspartic acid 1244 with histidine.
Molecular consequence: missense variant.
Genome position (GRCh38, 1-based): chr13:23,340,146, C>G on the plus strand (G>C on the coding strand, the complement: SACS is on the minus strand). VCF-style: chr13-23340146-C-G. GRCh37 (hg19) VCF-style: chr13-23914285-C-G.
Other names: c.3289G>C, p.Asp1097His (NM_001278055.2); short protein forms D1097H, D1244H.
Identifiers: ClinVar variation 2228571 (VCV002228571.2), dbSNP rs2542291522, ClinGen allele CA387533745.
Genomic context (GRCh38, chr13:23,340,146, plus strand): 5'-TTAGATGATCATGCATGAATCCGTAAATCTCAAGCAAAATATGCTGGAATTGATAGTAGT[C>G]TTCATCACTAAAGGTTTTTGAAGAATACCAATCAACAACAATTTTAAAGTGTTTTAAGAC-3'
Protein context (NP_055178.3, residues 1234-1254): WYSSKTFSDE[Asp1244His]YYQFQHILLE

ClinVar aggregate classification (germline): Uncertain significance (1 of 4 stars; one submission).

Conditions:
Inborn genetic diseases. Identifiers: MedGen C0950123, MeSH D030342.

Submission:

Ambry Genetics
Classification: Uncertain significance for Inborn genetic diseases. Last evaluated: 2020-12-21. Review status: criteria provided, single submitter. Criteria: Ambry Variant Classification Scheme 2023. Collection method: clinical testing. Allele origin: germline.
Comment: The c.3730G>C (p.D1244H) alteration is located in exon 10 (coding exon 9) of the SACS gene. This alteration results from a G to C substitution at nucleotide position 3730, causing the aspartic acid (D) at amino acid position 1244 to be replaced by a histidine (H). The p.D1244H alteration is predicted to be deleterious by in silico analysis. Based on insufficient or conflicting evidence, the clinical significance of this alteration remains unclear.